The following is an entry in ClinVar:

NM_001134363.3(RBM20):c.275C>T (p.Ala92Val)

Gene: RBM20 (RNA binding motif protein 20; plus strand). Cytogenetic location: 10q25.2.
Variant type: single nucleotide variant.
Coding change: c.275C>T on transcript NM_001134363.3 (MANE Select); coding-DNA position 275, C replaced by T.
Protein change: p.Ala92Val; replaces alanine 92 with valine.
Molecular consequence: missense variant.
Genome position (GRCh38, 1-based): chr10:110,780,884, C>T. VCF-style: chr10-110780884-C-T. GRCh37 (hg19) VCF-style: chr10-112540642-C-T.
Other names: short protein forms A92V.
Identifiers: ClinVar variation 955694 (VCV000955694.8), dbSNP rs1344144278, ClinGen allele CA378379331.

ClinVar aggregate classification (germline): Uncertain significance. Review status: criteria provided, multiple submitters, no conflicts (2 of 4 stars). 2 submissions from 2 submitters: Uncertain significance (2). Last evaluated 2025-10-28.

Conditions:
Cardiovascular phenotype. Identifiers: MedGen CN230736.
Dilated cardiomyopathy 1DD (CMD1DD). Identifiers: Orphanet 154, MedGen C2750995, MONDO:0013168, OMIM 613172.

Allele frequency attached by ClinVar (database versions not stated): gnomAD 0.00001; gnomAD exomes 0.00002; TOPMed 0.00002.
gnomAD v4.1: 11 of 1,550,770 alleles (0.00071%); highest among the groups gnomAD compares: Non-Finnish European, 0.00096%; no homozygotes.

Submissions (2):

Labcorp Genetics (formerly Invitae), Labcorp
Classification: Uncertain significance for Dilated cardiomyopathy 1DD. Last evaluated: 2025-10-28. Review status: criteria provided, single submitter. Criteria: Invitae Variant Classification Sherloc (09022015). Collection method: clinical testing. Allele origin: germline.
Comment: This sequence change replaces alanine, which is neutral and non-polar, with valine, which is neutral and non-polar, at codon 92 of the RBM20 protein (p.Ala92Val). This variant is not present in population databases (gnomAD no frequency). This variant has not been reported in the literature in individuals affected with RBM20-related conditions. ClinVar contains an entry for this variant (Variation ID: 955694). Invitae Evidence Modeling of protein sequence and biophysical properties (such as structural, functional, and spatial information, amino acid conservation, physicochemical variation, residue mobility, and thermodynamic stability) has been performed for this missense variant. However, the output from this modeling did not meet the statistical confidence thresholds required to predict the impact of this variant on RBM20 protein function. In summary, the available evidence is currently insufficient to determine the role of this variant in disease. Therefore, it has been classified as a Variant of Uncertain Significance.

Ambry Genetics
Classification: Uncertain significance for Cardiovascular phenotype. Last evaluated: 2024-09-04. Review status: criteria provided, single submitter. Criteria: Ambry Variant Classification Scheme 2023. Collection method: clinical testing. Allele origin: germline.